The following is an entry in ClinVar:

ClinVar aggregate classification (germline): Pathogenic. Review status: criteria provided, multiple submitters, no conflicts (2 of 4 stars). 6 submissions from 5 submitters: Pathogenic (6). Last evaluated 2025-01-08.

Conditions:
Usher syndrome type 2A. Also called: RETINAL DISEASE IN USHER SYNDROME TYPE IIA, MODIFIER OF; USHER SYNDROME, TYPE IIA. Identifiers: Orphanet 231178, Orphanet 886, MedGen C1848634, MONDO:0010169, OMIM 276901.
Usher syndrome. Also called: Usher's syndrome; Usher Syndromes. Identifiers: Orphanet 886, MedGen CN469326, MeSH D052245, MONDO:0019501. Disease mechanism: loss of function.
Retinitis pigmentosa 39 (RP39). Identifiers: Orphanet 791, MedGen C3151138, MONDO:0013436, OMIM 613809.

Submissions (6):

GeneDx
Classification: Pathogenic. Last evaluated: 2025-01-08. Review status: criteria provided, single submitter. Criteria: GeneDx Variant Classification Process June 2021. Collection method: clinical testing. Allele origin: germline. Affected: yes.
Comment: Canonical splice site variant predicted to result in a null allele in a gene for which loss of function is a known mechanism of disease; Not observed in large population cohorts (gnomAD); This variant is associated with the following publications: (PMID: 16963483, 32675063, 27460420, 37734845)

Genome-Nilou Lab
Classification: Pathogenic for Retinitis pigmentosa 39. Last evaluated: 2023-04-11. Review status: criteria provided, single submitter. Criteria: ACMG Guidelines, 2015. Collection method: clinical testing. Allele origin: germline. Affected: no.

Genome-Nilou Lab
Classification: Pathogenic for Usher syndrome type 2A. Last evaluated: 2023-04-11. Review status: criteria provided, single submitter. Criteria: ACMG Guidelines, 2015. Collection method: clinical testing. Allele origin: germline. Affected: no.

Fulgent Genetics
Classification: Pathogenic for Usher syndrome type 2A; Retinitis pigmentosa 39. Last evaluated: 2022-03-09. Review status: criteria provided, single submitter. Criteria: ACMG Guidelines, 2015. Collection method: clinical testing. Allele origin: unknown.

Women's Health and Genetics/Laboratory Corporation of America, LabCorp
Classification: Pathogenic for Usher syndrome. Last evaluated: 2021-10-27. Review status: criteria provided, single submitter. Criteria: LabCorp Variant Classification Summary - May 2015. Collection method: clinical testing. Allele origin: germline.
Comment: Variant summary: USH2A c.1144-2A>T is located in a canonical splice-site and is predicted to affect mRNA splicing resulting in a significantly altered protein due to either exon skipping, shortening, or inclusion of intronic material. Several computational tools predict a significant impact on normal splicing: Four predict the variant abolishes a 3 acceptor site. However, these predictions have yet to be confirmed by functional studies. The variant was absent in 242160 control chromosomes (gnomAD). c.1144-2A>T has been reported in the literature in individuals affected with Usher Syndrome (e.g. Cremers_2007, Bonnet_2016, Zhu_2021). These data indicate that the variant is likely to be associated with disease. To our knowledge, no experimental evidence demonstrating an impact on protein function has been reported. A ClinVar submitter (evaluation after 2014) cites the variant as pathogenic. Based on the evidence outlined above, the variant was classified as pathogenic.

Institute of Medical Genetics and Applied Genomics, University Hospital Tübingen
Classification: Pathogenic. Last evaluated: 2020-10-23. Review status: criteria provided, single submitter. Criteria: ACMG Guidelines, 2015. Collection method: clinical testing. Allele origin: germline. Inheritance: Autosomal recessive inheritance. Affected: yes.

Literature cited by the submitters: PubMed 16963483 (cited by Women's Health and Genetics/Laboratory Corporation of America, LabCorp); PubMed 27460420 (cited by Women's Health and Genetics/Laboratory Corporation of America, LabCorp); PubMed 32675063 (cited by Women's Health and Genetics/Laboratory Corporation of America, LabCorp).

NM_206933.4(USH2A):c.1144-2A>T

Gene: USH2A (usherin; minus strand). Cytogenetic location: 1q41.
Variant type: single nucleotide variant.
Coding change: c.1144-2A>T on transcript NM_206933.4 (MANE Select); the canonical splice acceptor site of the intron before coding-DNA position 1144, A replaced by T.
Molecular consequence: splice acceptor variant.
Genome position (GRCh38, 1-based): chr1:216,324,354, T>A on the plus strand (A>T on the coding strand, the complement: USH2A is on the minus strand). VCF-style: chr1-216324354-T-A. GRCh37 (hg19) VCF-style: chr1-216497696-T-A.
Other names: c.1144-2A>T (NM_007123.6).
Identifiers: ClinVar variation 987021 (VCV000987021.6), dbSNP rs2037686445, ClinGen allele CA344912150.